The following is an entry in ClinVar:

NM_005591.4(MRE11):c.640T>C (p.Phe214Leu)

Gene: MRE11 (MRE11 double strand break repair nuclease; minus strand). Cytogenetic location: 11q21.
Variant type: single nucleotide variant.
Coding change: c.640T>C on transcript NM_005591.4 (MANE Select); coding-DNA position 640, T replaced by C.
Protein change: p.Phe214Leu; replaces phenylalanine 214 with leucine.
Molecular consequence: missense variant.
Genome position (GRCh38, 1-based): chr11:94,476,308, A>G on the plus strand (T>C on the coding strand, the complement: MRE11 is on the minus strand). VCF-style: chr11-94476308-A-G. GRCh37 (hg19) VCF-style: chr11-94209474-A-G.
Other names: c.640T>C, p.Phe214Leu (NM_001330347.2, NM_005590.4); short protein forms F214L.
Identifiers: ClinVar variation 186917 (VCV000186917.17), dbSNP rs750929369, ClinGen allele CA333908.
Genomic context (GRCh38, chr11:94,476,308, plus strand): 5'-CCTCAGCACTTGGCTCAAACTTTTTCAGAGAAAAGTTTTACCTGTTCTGATGAATCACAA[A>G]TAAGTTAAACCAAGAGTTCTCATCTTCCTTTGGTCTCAACATTGTTACTTTTTTATTGAC-3'
Protein context (NP_005582.1, residues 204-224): KEDENSWFNL[Phe214Leu]VIHQNRSKHG

ClinVar aggregate classification (germline): Uncertain significance. Review status: criteria provided, multiple submitters, no conflicts (2 of 4 stars). 5 submissions from 5 submitters: Uncertain significance (5). Last evaluated 2025-03-09.

Conditions:
Ataxia-telangiectasia-like disorder (ATLD). Identifiers: MedGen C1858391, MONDO:0011457.
Hereditary cancer-predisposing syndrome. Also called: Neoplastic Syndromes, Hereditary; Tumor predisposition; Hereditary Cancer Syndrome; Hereditary neoplastic syndrome. Identifiers: Orphanet 140162, MedGen C0027672, MeSH D009386, MONDO:0015356.
Ataxia-telangiectasia-like disorder 1 (ATLD1). Identifiers: Orphanet 251347, MedGen C4012790, MONDO:0024557, OMIM 604391.

Allele frequency attached by ClinVar (database versions not stated): ExAC 0.00002; gnomAD exomes 0.00002 and 0.00003; gnomAD 0.00003; TOPMed 0.00003.
gnomAD v4.1: 51 of 1,612,348 alleles (0.0032%); highest among the groups gnomAD compares: East Asian, 0.0089%; no homozygotes.

Submissions (5):

Labcorp Genetics (formerly Invitae), Labcorp
Classification: Uncertain significance for Ataxia-telangiectasia-like disorder. Last evaluated: 2025-03-09. Review status: criteria provided, single submitter. Criteria: Invitae Variant Classification Sherloc (09022015). Collection method: clinical testing. Allele origin: germline.
Comment: This sequence change replaces phenylalanine, which is neutral and non-polar, with leucine, which is neutral and non-polar, at codon 214 of the MRE11 protein (p.Phe214Leu). This variant is present in population databases (rs750929369, gnomAD 0.005%). This variant has not been reported in the literature in individuals affected with MRE11-related conditions. ClinVar contains an entry for this variant (Variation ID: 186917). An algorithm developed to predict the effect of missense changes on protein structure and function outputs the following: PolyPhen-2: "Benign". The leucine amino acid residue is found in multiple mammalian species, which suggests that this missense change does not adversely affect protein function. In summary, the available evidence is currently insufficient to determine the role of this variant in disease. Therefore, it has been classified as a Variant of Uncertain Significance.

Athena Diagnostics
Classification: Uncertain significance. Last evaluated: 2023-12-06. Review status: criteria provided, single submitter. Criteria: Athena Diagnostics Criteria. Collection method: clinical testing. Allele origin: unknown.
Comment: Available data are insufficient to determine the clinical significance of the variant at this time. The frequency of this variant in the general population is uninformative in assessment of its pathogenicity. Computational tools disagree on the variant's effect on normal protein function.

Ambry Genetics
Classification: Uncertain significance for Hereditary cancer-predisposing syndrome. Last evaluated: 2022-12-21. Review status: criteria provided, single submitter. Criteria: Ambry Variant Classification Scheme 2023. Collection method: clinical testing. Allele origin: germline.

Fulgent Genetics
Classification: Uncertain significance for Ataxia-telangiectasia-like disorder 1. Last evaluated: 2018-10-31. Review status: criteria provided, single submitter. Criteria: ACMG Guidelines, 2015. Collection method: clinical testing. Allele origin: unknown.

Illumina Laboratory Services, Illumina
Classification: Uncertain significance for Ataxia-telangiectasia-like disorder 1. Last evaluated: 2018-01-13. Review status: criteria provided, single submitter. Criteria: ICSL Variant Classification Criteria 13 December 2019. Collection method: clinical testing. Allele origin: germline.